The following is an entry in ClinVar:

ClinVar aggregate classification (germline): Conflicting classifications of pathogenicity. Review status: criteria provided, conflicting classifications (1 of 4 stars). 6 submissions from 5 submitters: Uncertain significance (2); Likely benign (3). 1 of the submissions does not count toward it. Last evaluated 2025-10-01.

Conditions:
Retinal dystrophy. Also called: Inherited retinal dystrophy. Identifiers: Orphanet 71862, MedGen C0854723, MeSH D058499, MONDO:0019118, HP:0000556.
Nephronophthisis. Also called: Juvenile Nephronophthisis. Identifiers: Orphanet 655, MedGen C0687120, MONDO:0019005, HP:0000090.
Nephronophthisis 4 (NPHP4). Also called: NEPHRONOPHTHISIS 4, JUVENILE. Identifiers: Orphanet 655, MedGen C1847013, MONDO:0011752, OMIM 606966.
Senior-Loken syndrome 4 (SLSN4). Identifiers: Orphanet 3156, MedGen C1846979, MONDO:0011756, OMIM 606996.

Allele frequency attached by ClinVar (database versions not stated): 1000 Genomes Project 30x 0.00016; ExAC 0.00017; 1000 Genomes Project 0.00020; gnomAD exomes 0.00020; gnomAD 0.00009 and 0.00010; TOPMed 0.00012.
gnomAD v4.1: 204 of 1,613,948 alleles (0.013%); highest among the groups gnomAD compares: Middle Eastern, 0.083%; no homozygotes.

Submissions (6):

Labcorp Genetics (formerly Invitae), Labcorp
Classification: Likely benign for Nephronophthisis. Last evaluated: 2025-10-01. Review status: criteria provided, single submitter. Criteria: Invitae Variant Classification Sherloc (09022015). Collection method: clinical testing. Allele origin: germline.

CeGaT Center for Human Genetics Tuebingen
Classification: Likely benign. Last evaluated: 2025-02-01. Review status: criteria provided, single submitter. Criteria: CeGaT Center For Human Genetics Tuebingen Variant Classification Criteria Version 2. Collection method: clinical testing. Allele origin: germline. Affected: yes. Observed: 1 variant allele.
Comment: NPHP4: BP4, BP7

Blueprint Genetics
Classification: Likely benign. Last evaluated: 2024-09-03. Review status: criteria provided, single submitter. Criteria: ACMG Guidelines, 2015. Collection method: clinical testing. Allele origin: germline.

Illumina Laboratory Services, Illumina
Classification: Uncertain significance for Nephronophthisis 4. Last evaluated: 2018-01-13. Review status: criteria provided, single submitter. Criteria: ICSL Variant Classification Criteria 13 December 2019. Collection method: clinical testing. Allele origin: germline.

Illumina Laboratory Services, Illumina
Classification: Uncertain significance for Senior-Loken syndrome 4. Last evaluated: 2018-01-13. Review status: criteria provided, single submitter. Criteria: ICSL Variant Classification Criteria 13 December 2019. Collection method: clinical testing. Allele origin: germline.

Institute of Human Genetics, Univ. Regensburg, Univ. Regensburg
Classification: Uncertain significance for Retinal dystrophy. Last evaluated: 2023-01-01. Review status: no assertion criteria provided. Criteria: ACMG Guidelines, 2015. Collection method: clinical testing. Allele origin: germline. Affected: yes. Not counted in ClinVar's aggregate classification.

NM_015102.5(NPHP4):c.3267C>T (p.Asp1089=)

Gene: NPHP4 (nephrocystin 4; minus strand). Cytogenetic location: 1p36.31.
Variant type: single nucleotide variant.
Coding change: c.3267C>T on transcript NM_015102.5 (MANE Select); coding-DNA position 3267, C replaced by T.
Protein change: p.Asp1089=; no amino-acid change (aspartic acid 1089 retained).
Molecular consequence: synonymous variant. On other transcripts: non-coding transcript variant (1).
Genome position (GRCh38, 1-based): chr1:5,873,300, G>A on the plus strand (C>T on the coding strand, the complement: NPHP4 is on the minus strand). VCF-style: chr1-5873300-G-A. GRCh37 (hg19) VCF-style: chr1-5933360-G-A.
Other names: c.1728C>T, p.Asp576= (NM_001291593.2); c.1731C>T, p.Asp577= (NM_001291594.2).
Identifiers: ClinVar variation 697321 (VCV000697321.28), dbSNP rs187149431, ClinGen allele CA553723.